The following is an entry in ClinVar:

NM_003632.3(CNTNAP1):c.4066GCCCCA[4] (p.Pro1361_Thr1362insAlaPro)

Genes: CNTNAP1 (contactin associated protein 1; plus strand), LOC128669077 (EZH1 +46 kb erythroid enhancer; plus strand). Cytogenetic location: 17q21.2.
Variant type: Microsatellite.
Coding change: c.4066GCCCCA[4] on transcript NM_003632.3 (MANE Select); four copies in a row of the 6-base unit GCCCCA starting at c.4066; the reference has three copies in a row; one copy, 6 bases duplicated; also written c.4078_4083dup.
Protein change: p.Pro1361_Thr1362insAlaPro.
Molecular consequence: inframe insertion.
Genome position (GRCh38, 1-based): chr17:42,698,833-42,698,838, GCCCCA duplicated; duplicating any 6 consecutive bases within chr17:42,698,819-42,698,838 gives the same sequence; the position shown is the placement nearest the transcript's 3' end. VCF-style (leftmost placement, unchanged base first): chr17-42698818-T-TCAGCCC. GRCh37 (hg19) VCF-style: chr17-40850836-T-TCAGCCC.
Other names: c.4078_4083dup (NM_003632.3).
Identifiers: ClinVar variation 1979310 (VCV001979310.4), dbSNP rs759059084, ClinGen allele CA8582526.
Genomic context (GRCh38, chr17:42,698,818, plus strand): 5'-CCCACTTCAGGCCCTGCCCAGGTCCCCACCCCTACAGCAGCTCCCAACCAAGCTCCAGCC[T>TCAGCCC]CAGCCCCAGCCCCAGCCCCAACTCCAGCCCCAGCCCCTGGCCCCCGGGATCAGAACCTAC-3'

ClinVar aggregate classification (germline): Conflicting classifications of pathogenicity. Review status: criteria provided, conflicting classifications (1 of 4 stars). 2 submissions from 2 submitters: Uncertain significance (1); Likely benign (1). Last evaluated 2024-12-02.

Conditions:
Lethal congenital contracture syndrome 7 (LCCS7). Identifiers: MedGen C4225386, MONDO:0014569, OMIM 616286.
Neuropathy, congenital hypomyelinating, 3. Identifiers: MedGen C4748608, MONDO:0020766, OMIM 618186.

Submissions (2):

Labcorp Genetics (formerly Invitae), Labcorp
Classification: Uncertain significance. Last evaluated: 2024-12-02. Review status: criteria provided, single submitter. Criteria: Invitae Variant Classification Sherloc (09022015). Collection method: clinical testing. Allele origin: germline.
Comment: This variant, c.4078_4083dup, results in the insertion of 2 amino acid(s) of the CNTNAP1 protein (p.Ala1360_Pro1361dup), but otherwise preserves the integrity of the reading frame. This variant is present in population databases (rs759059084, gnomAD 0.04%). This variant has not been reported in the literature in individuals affected with CNTNAP1-related conditions. Experimental studies and prediction algorithms are not available or were not evaluated, and the functional significance of this variant is currently unknown. In summary, the available evidence is currently insufficient to determine the role of this variant in disease. Therefore, it has been classified as a Variant of Uncertain Significance.

3billion
Classification: Likely benign for Neuropathy, congenital hypomyelinating, 3; Lethal congenital contracture syndrome 7. Last evaluated: 2024-09-20. Review status: criteria provided, single submitter. Criteria: ACMG Guidelines, 2015. Collection method: clinical testing. Allele origin: germline. Affected: no.
Comment: The homozygous variant was found in patients diagnosed with another variant in a different gene, with no symptoms related to the gene containing the homozygous variant.